The following is an entry in ClinVar:

NM_004446.3(EPRS1):c.1481C>T (p.Ala494Val)

Gene: EPRS1 (glutamyl-prolyl-tRNA synthetase 1; minus strand). Cytogenetic location: 1q41.
Variant type: single nucleotide variant.
Coding change: c.1481C>T on transcript NM_004446.3 (MANE Select); coding-DNA position 1481, C replaced by T.
Protein change: p.Ala494Val; replaces alanine 494 with valine.
Molecular consequence: missense variant.
Genome position (GRCh38, 1-based): chr1:220,018,462, G>A on the plus strand (C>T on the coding strand, the complement: EPRS1 is on the minus strand). VCF-style: chr1-220018462-G-A. GRCh37 (hg19) VCF-style: chr1-220191804-G-A.
Other names: short protein forms A494V.
Identifiers: ClinVar variation 715899 (VCV000715899.13), dbSNP rs143252385, ClinGen allele CA1400286.

ClinVar aggregate classification (germline): Benign. Review status: criteria provided, multiple submitters, no conflicts (2 of 4 stars). 3 submissions from 3 submitters: Benign (2). 1 of the submissions does not count toward it. Last evaluated 2026-01-27.

Conditions:
EPRS1-related disorder. Also called: EPRS1-related condition.

Allele frequency attached by ClinVar (database versions not stated): gnomAD exomes 0.00027 and 0.00071; ExAC 0.00088; 1000 Genomes Project 30x 0.00172; 1000 Genomes Project 0.00180; ESP Exome Variant Server 0.00238; gnomAD 0.00256 and 0.00278; TOPMed 0.00300.
gnomAD v4.1: 793 of 1,610,586 alleles (0.049%); highest among the groups gnomAD compares: African/African-American, 0.97%; 3 homozygotes.

Submissions (3):

Labcorp Genetics (formerly Invitae), Labcorp
Classification: Benign. Last evaluated: 2026-01-27. Review status: criteria provided, single submitter. Criteria: Invitae Variant Classification Sherloc (09022015). Collection method: clinical testing. Allele origin: germline.

Breakthrough Genomics
Classification: Benign. Review status: criteria provided, single submitter. Criteria: ACMG Guidelines, 2015. Collection method: not provided. Allele origin: germline. Inheritance: Autosomal recessive inheritance. Affected: yes.

PreventionGenetics, part of Exact Sciences
Classification: Benign for EPRS1-related condition. Last evaluated: 2019-05-23. Review status: no assertion criteria provided. Collection method: clinical testing. Allele origin: germline. Not counted in ClinVar's aggregate classification.
Comment: This variant is classified as benign based on ACMG/AMP sequence variant interpretation guidelines (Richards et al. 2015 PMID: 25741868, with internal and published modifications).